The following is an entry in ClinVar:

NM_203487.3(PCDH9):c.2464G>C (p.Gly822Arg)

Gene: PCDH9 (protocadherin 9; minus strand). Cytogenetic location: 13q21.32.
Variant type: single nucleotide variant.
Coding change: c.2464G>C on transcript NM_203487.3 (MANE Select); coding-DNA position 2464, G replaced by C.
Protein change: p.Gly822Arg; replaces glycine 822 with arginine.
Molecular consequence: missense variant.
Genome position (GRCh38, 1-based): chr13:67,225,977, C>G on the plus strand (G>C on the coding strand, the complement: PCDH9 is on the minus strand). VCF-style: chr13-67225977-C-G. GRCh37 (hg19) VCF-style: chr13-67800109-C-G.
Other names: c.2464G>C, p.Gly822Arg (NM_001318372.2, NM_001318373.2, NM_001318374.2 and 1 more transcripts); short protein forms G822R.
Identifiers: ClinVar variation 2635357 (VCV002635357.1), dbSNP rs2502338044, ClinGen allele CA388297628.
Genomic context (GRCh38, chr13:67,225,977, plus strand): 5'-ATGCATGGCGACAGCGCACCAGAACGGTGACGAAGATCACAACAATGACCACCATGGCAC[C>G]GGCGATGATGGCAATCATGATGGTTAGATAGTCCTCATTTTGATAGGGTTGGCTACTATC-3'
Protein context (NP_982354.1, residues 812-832): YLTIMIAIIA[Gly822Arg]AMVVIVVIFV

ClinVar aggregate classification (germline): Uncertain significance (1 of 4 stars; one submission).

Conditions:
PCDH9-related disorder. Also called: PCDH9-related condition.

Submission:

PreventionGenetics, part of Exact Sciences
Classification: Uncertain significance for PCDH9-related condition. Last evaluated: 2022-12-09. Review status: criteria provided, single submitter. Criteria: ACMG Guidelines, 2015. Collection method: clinical testing. Allele origin: germline.
Comment: The PCDH9 c.2464G>C variant is predicted to result in the amino acid substitution p.Gly822Arg. To our knowledge, this variant has not been reported in the literature or in a large population database, indicating this variant is rare. At this time, the clinical significance of this variant is uncertain due to the absence of conclusive functional and genetic evidence.